The following is an entry in ClinVar:

NM_182931.3(KMT2E):c.4265G>A (p.Arg1422His)

Gene: KMT2E (lysine methyltransferase 2E (inactive); plus strand). Cytogenetic location: 7q22.3.
Variant type: single nucleotide variant.
Coding change: c.4265G>A on transcript NM_182931.3 (MANE Select); coding-DNA position 4265, G replaced by A.
Protein change: p.Arg1422His; replaces arginine 1422 with histidine.
Molecular consequence: missense variant.
Genome position (GRCh38, 1-based): chr7:105,112,021, G>A. VCF-style: chr7-105112021-G-A. GRCh37 (hg19) VCF-style: chr7-104752468-G-A.
Other names: c.4265G>A, p.Arg1422His (NM_018682.4); c.4139G>A, p.Arg1380His (NM_001410908.1); short protein forms R1380H, R1422H.
Identifiers: ClinVar variation 2730403 (VCV002730403.3), dbSNP rs148035229, ClinGen allele CA4424721.
Genomic context (GRCh38, chr7:105,112,021, plus strand): 5'-AACAGCTATCAAATAACAACCAAGCACTTTCAAAGAATCATCCTCCTCAGACACACGTTC[G>A]TAATTCATCTGAGCAACTTTCACAAAAGCTGCCTTCTGTGCCAACAAAGTTGCACTGTCC-3'
Protein context (NP_891847.1, residues 1412-1432): SKNHPPQTHV[Arg1422His]NSSEQLSQKL

ClinVar aggregate classification (germline): Uncertain significance (1 of 4 stars; one submission).

Allele frequency attached by ClinVar (database versions not stated): ExAC 0.00012; TOPMed 0.00009; gnomAD 0.00013; ESP Exome Variant Server 0.00023.
gnomAD v4.1: 382 of 1,614,036 alleles (0.024%); highest among the groups gnomAD compares: Non-Finnish European, 0.029%; no homozygotes.

Submission:

Labcorp Genetics (formerly Invitae), Labcorp
Classification: Uncertain significance. Last evaluated: 2025-07-27. Review status: criteria provided, single submitter. Criteria: Invitae Variant Classification Sherloc (09022015). Collection method: clinical testing. Allele origin: germline.
Comment: This sequence change replaces arginine, which is basic and polar, with histidine, which is basic and polar, at codon 1422 of the KMT2E protein (p.Arg1422His). This variant is present in population databases (rs148035229, gnomAD 0.04%), and has an allele count higher than expected for a pathogenic variant. This variant has not been reported in the literature in individuals affected with KMT2E-related conditions. ClinVar contains an entry for this variant (Variation ID: 2730403). Invitae Evidence Modeling of protein sequence and biophysical properties (such as structural, functional, and spatial information, amino acid conservation, physicochemical variation, residue mobility, and thermodynamic stability) indicates that this missense variant is not expected to disrupt KMT2E protein function with a negative predictive value of 80%. In summary, the available evidence is currently insufficient to determine the role of this variant in disease. Therefore, it has been classified as a Variant of Uncertain Significance.